The following is an entry in ClinVar:

NM_000021.4(PSEN1):c.95A>G (p.Asn32Ser)

Gene: PSEN1 (presenilin 1; plus strand). Cytogenetic location: 14q24.2.
Variant type: single nucleotide variant.
Coding change: c.95A>G on transcript NM_000021.4 (MANE Select); coding-DNA position 95, A replaced by G.
Protein change: p.Asn32Ser; replaces asparagine 32 with serine.
Molecular consequence: missense variant.
Genome position (GRCh38, 1-based): chr14:73,170,804, A>G. VCF-style: chr14-73170804-A-G. GRCh37 (hg19) VCF-style: chr14-73637512-A-G.
Other names: c.83A>G, p.Asn28Ser (NM_007318.3); short protein forms N28S, N32S.
Identifiers: ClinVar variation 2577038 (VCV002577038.4), dbSNP rs200824179, ClinGen allele CA7256670.

ClinVar aggregate classification (germline): Conflicting classifications of pathogenicity. Review status: criteria provided, conflicting classifications (1 of 4 stars). 2 submissions from 2 submitters: Uncertain significance (1); Likely benign (1). Last evaluated 2023-07-03.

Conditions:
Frontotemporal dementia (FTD1). Also called: FRONTOTEMPORAL DEMENTIA WITH PARKINSONISM; FRONTOTEMPORAL LOBE DEMENTIA; Frontotemporal lobe dementia (FLDEM); Dementia, frontotemporal, with or without parkinsonism; Frontotemporal Dementia with Parkinsonism-17 (FTDP-17); WILHELMSEN-LYNCH DISEASE. Identifiers: Orphanet 282, MedGen C0338451, MONDO:0017276, OMIM 600274, HP:0002145.
Pick disease. Also called: DEMENTIA WITH LOBAR ATROPHY AND NEURONAL CYTOPLASMIC INCLUSIONS; LOBAR ATROPHY OF BRAIN; Pick's disease; PICK DISEASE OF BRAIN; Pick Disease of the Brain. Identifiers: Orphanet 282, MedGen C0236642, MONDO:0008243, OMIM 172700.
Alzheimer disease 3 (AD3). Also called: ALZHEIMER DISEASE, FAMILIAL, 3. Identifiers: Orphanet 1020, MedGen C1843013, MONDO:0011913, OMIM 607822.
Acne inversa, familial, 3 (ACNINV3). Identifiers: MedGen C3151038, MONDO:0013398, OMIM 613737.

Allele frequency attached by ClinVar (database versions not stated): TOPMed 0.00001; gnomAD 0.00005; gnomAD exomes 0.00007; ExAC 0.00022; 1000 Genomes Project 30x 0.00078; 1000 Genomes Project 0.00080.
gnomAD v4.1: 111 of 1,614,210 alleles (0.0069%); highest among the groups gnomAD compares: South Asian, 0.11%; 1 homozygote.

Submissions (2):

Women's Health and Genetics/Laboratory Corporation of America, LabCorp
Classification: Uncertain significance. Last evaluated: 2023-07-03. Review status: criteria provided, single submitter. Criteria: LabCorp Variant Classification Summary - May 2015. Collection method: clinical testing. Allele origin: germline.
Comment: Variant summary: PSEN1 c.95A>G (p.Asn32Ser) results in a conservative amino acid change in the encoded protein sequence. Four of five in-silico tools predict a benign effect of the variant on protein function. The variant allele was found at a frequency of 0.00019 in 251404 control chromosomes. To our knowledge, no occurrence of c.95A>G in individuals affected with Alzheimer Disease, Type 3 and no experimental evidence demonstrating its impact on protein function have been reported. No submitters have cited clinical-significance assessments for this variant to ClinVar after 2014. Based on the evidence outlined above, the variant was classified as uncertain significance.

Labcorp Genetics (formerly Invitae), Labcorp
Classification: Likely benign for Alzheimer disease 3; Pick disease; Acne inversa, familial, 3; Frontotemporal dementia. Last evaluated: 2023-02-22. Review status: criteria provided, single submitter. Criteria: Invitae Variant Classification Sherloc (09022015). Collection method: clinical testing. Allele origin: germline.